The following is an entry in ClinVar:

NM_000136.3(FANCC):c.950T>G (p.Val317Gly)

Genes: FANCC (FA complementation group C; minus strand), AOPEP (aminopeptidase O (putative); plus strand). Cytogenetic location: 9q22.32.
Variant type: single nucleotide variant.
Coding change: c.950T>G on transcript NM_000136.3 (MANE Select); coding-DNA position 950, T replaced by G.
Protein change: p.Val317Gly; replaces valine 317 with glycine.
Molecular consequence: missense variant.
Genome position (GRCh38, 1-based): chr9:95,125,132, A>C on the plus strand (T>G on the coding strand, the complement: FANCC is on the minus strand). VCF-style: chr9-95125132-A-C. GRCh37 (hg19) VCF-style: chr9-97887414-A-C.
Other names: c.950T>G, p.Val317Gly (NM_001243743.2, NM_001243744.2); short protein forms V317G.
Identifiers: ClinVar variation 485546 (VCV000485546.8), dbSNP rs1438781491, ClinGen allele CA374108899.

ClinVar aggregate classification (germline): Uncertain significance. Review status: criteria provided, multiple submitters, no conflicts (2 of 4 stars). 4 submissions from 4 submitters: Uncertain significance (3). 1 of the submissions does not count toward it. Last evaluated 2025-05-28.

Conditions:
Hereditary cancer-predisposing syndrome. Also called: Tumor predisposition; Hereditary Cancer Syndrome; Hereditary neoplastic syndrome; Neoplastic Syndromes, Hereditary. Identifiers: Orphanet 140162, MedGen C0027672, MeSH D009386, MONDO:0015356.
Fanconi anemia complementation group C (FANCC). Also called: Fanconi anemia, group C; FANCC-Related Fanconi Anemia; FANCONI PANCYTOPENIA, TYPE 3; FACC. Identifiers: Orphanet 84, MedGen C3468041, MONDO:0009213, OMIM 227645.

Allele frequency attached by ClinVar (database versions not stated): TOPMed below 0.00001; gnomAD 0.00001.
gnomAD v4.1: 5 of 1,614,090 alleles (0.00031%); highest among the groups gnomAD compares: Non-Finnish European, 0.00042%; no homozygotes.

Submissions (4):

Quest Diagnostics Nichols Institute San Juan Capistrano
Classification: Uncertain significance. Last evaluated: 2025-05-28. Review status: criteria provided, single submitter. Criteria: Quest Diagnostics criteria. Collection method: clinical testing. Allele origin: unknown.
Comment: The FANCC c.950T>G (p.Val317Gly) variant has been reported in the published literature in a somatic state in an individual with colorectal cancer (PMID: 38887977 (2024)). The frequency of this variant in the general population (Genome Aggregation Database) is uninformative in the assessment of its pathogenicity. Analysis of this variant using bioinformatics tools for the prediction of the effect of amino acid changes on protein structure and function yielded conflicting predictions that this variant is benign or damaging. Based on the available information, we are unable to determine the clinical significance of this variant.

GeneDx
Classification: Uncertain significance. Last evaluated: 2023-12-28. Review status: criteria provided, single submitter. Criteria: GeneDx Variant Classification Process June 2021. Collection method: clinical testing. Allele origin: germline. Affected: yes.
Comment: Not observed at significant frequency in large population cohorts (gnomAD); In silico analysis supports that this missense variant has a deleterious effect on protein structure/function; Has not been previously published as pathogenic or benign to our knowledge; This variant is associated with the following publications: (PMID: Gordon2000[Book])

Ambry Genetics
Classification: Uncertain significance for Hereditary cancer-predisposing syndrome. Last evaluated: 2022-10-08. Review status: criteria provided, single submitter. Criteria: Ambry Variant Classification Scheme 2023. Collection method: clinical testing. Allele origin: germline.
Comment: The p.V317G variant (also known as c.950T>G), located in coding exon 9 of the FANCC gene, results from a T to G substitution at nucleotide position 950. The valine at codon 317 is replaced by glycine, an amino acid with dissimilar properties. This amino acid position is highly conserved in available vertebrate species. In addition, this alteration is predicted to be deleterious by in silico analysis. Since supporting evidence is limited at this time, the clinical significance of this alteration remains unclear.

Natera, Inc.
Classification: Uncertain significance for Fanconi anemia, group C. Last evaluated: 2020-09-16. Review status: no assertion criteria provided. Collection method: clinical testing. Allele origin: germline. Not counted in ClinVar's aggregate classification.

Literature cited by the submitters: PubMed 38887977 (cited by Quest Diagnostics Nichols Institute San Juan Capistrano).